The following is an entry in ClinVar:

ClinVar aggregate classification (germline): Benign (0 of 4 stars; one submission).

Conditions:
SP8-related disorder. Also called: SP8-related condition.

Allele frequency attached by ClinVar (database versions not stated): gnomAD exomes 0.00020; ExAC 0.00084; gnomAD 0.00205; 1000 Genomes Project 0.00220; TOPMed 0.00248; 1000 Genomes Project 30x 0.00265; ESP Exome Variant Server 0.00292.
gnomAD v4.1: 609 of 1,607,078 alleles (0.038%); highest among the groups gnomAD compares: African/African-American, 0.75%; 3 homozygotes.

Submission:

PreventionGenetics, part of Exact Sciences
Classification: Benign for SP8-related condition. Last evaluated: 2024-04-27. Review status: no assertion criteria provided. Collection method: clinical testing. Allele origin: germline.
Comment: This variant is classified as benign based on ACMG/AMP sequence variant interpretation guidelines (Richards et al. 2015 PMID: 25741868, with internal and published modifications).

NM_182700.6(SP8):c.228G>T (p.Gly76=)

Gene: SP8 (Sp8 transcription factor; minus strand). Cytogenetic location: 7p21.1.
Variant type: single nucleotide variant.
Coding change: c.228G>T on transcript NM_182700.6 (MANE Select); coding-DNA position 228, G replaced by T.
Protein change: p.Gly76=; no amino-acid change (glycine 76 retained).
Molecular consequence: synonymous variant.
Genome position (GRCh38, 1-based): chr7:20,785,589, C>A on the plus strand (G>T on the coding strand, the complement: SP8 is on the minus strand). VCF-style: chr7-20785589-C-A. GRCh37 (hg19) VCF-style: chr7-20825208-C-A.
Other names: c.174G>T, p.Gly58= (NM_198956.4).
Identifiers: ClinVar variation 3039746 (VCV003039746.2), dbSNP rs115488866, ClinGen allele CA4177979.